The following is an entry in ClinVar:

NM_000179.3(MSH6):c.3132C>A (p.Tyr1044Ter)

Gene: MSH6 (mutS homolog 6; plus strand). Cytogenetic location: 2p16.3.
Variant type: single nucleotide variant.
Coding change: c.3132C>A on transcript NM_000179.3 (MANE Select); coding-DNA position 3132, C replaced by A.
Protein change: p.Tyr1044Ter; replaces tyrosine 1044 with a stop codon.
Molecular consequence: nonsense.
Genome position (GRCh38, 1-based): chr2:47,801,115, C>A. VCF-style: chr2-47801115-C-A. GRCh37 (hg19) VCF-style: chr2-48028254-C-A.
Other names: c.2742C>A, p.Tyr914Ter (NM_001281492.2); c.2226C>A, p.Tyr742Ter (NM_001281493.2, NM_001281494.2); short protein forms Y914*, Y742*, Y1044*.
Identifiers: ClinVar variation 872793 (VCV000872793.41), dbSNP rs1669552731, ClinGen allele CA346756667.

ClinVar aggregate classification (germline): Pathogenic. Review status: criteria provided, multiple submitters, no conflicts (2 of 4 stars). 2 submissions from 2 submitters: Pathogenic (2). Last evaluated 2023-08-22.

Conditions:
Lynch syndrome 5 (LYNCH5). Also called: Colorectal cancer, hereditary nonpolyposis, type 5; Hereditary non-polyposis colorectal cancer, type 5. Identifiers: Orphanet 144, MedGen C1833477, MONDO:0013710, OMIM 614350. Disease mechanism: loss of function.

Submissions (2):

Myriad Genetics, Inc.
Classification: Pathogenic for Lynch syndrome 5. Last evaluated: 2023-08-22. Review status: criteria provided, single submitter. Criteria: Myriad Autosomal Dominant, Autosomal Recessive and X-Linked Classification Criteria (2023). Collection method: clinical testing. Allele origin: unknown.
Comment: This variant is considered pathogenic. This variant creates a termination codon and is predicted to result in premature protein truncation.

CeGaT Center for Human Genetics Tuebingen
Classification: Pathogenic. Last evaluated: 2016-12-01. Review status: criteria provided, single submitter. Criteria: CeGaT Center For Human Genetics Tuebingen Variant Classification Criteria Version 2. Collection method: clinical testing. Allele origin: germline. Affected: yes. Observed: 1 variant allele.